The following is an entry in ClinVar:

NM_032806.6(POMGNT2):c.1457G>A (p.Arg486Gln)

Gene: POMGNT2 (protein O-linked mannose N-acetylglucosaminyltransferase 2 (beta 1,4-); minus strand). Cytogenetic location: 3p22.1.
Variant type: single nucleotide variant.
Coding change: c.1457G>A on transcript NM_032806.6 (MANE Select); coding-DNA position 1457, G replaced by A.
Protein change: p.Arg486Gln; replaces arginine 486 with glutamine.
Molecular consequence: missense variant.
Genome position (GRCh38, 1-based): chr3:43,079,975, C>T on the plus strand (G>A on the coding strand, the complement: POMGNT2 is on the minus strand). VCF-style: chr3-43079975-C-T. GRCh37 (hg19) VCF-style: chr3-43121467-C-T.
Other names: short protein forms R486Q.
Identifiers: ClinVar variation 647775 (VCV000647775.7), dbSNP rs770439944, ClinGen allele CA2339842.

ClinVar aggregate classification (germline): Uncertain significance (1 of 4 stars; one submission).

Conditions:
Muscular dystrophy-dystroglycanopathy (congenital with brain and eye anomalies), type a, 8 (MDDGA8). Also called: WALKER-WARBURG SYNDROME OR MUSCLE-EYE-BRAIN DISEASE, GTDC2-RELATED. Identifiers: Orphanet 899, MedGen C3553813, MONDO:0013904, OMIM 614830.

Allele frequency attached by ClinVar (database versions not stated): gnomAD exomes 0.00003 and 0.00002; TOPMed below 0.00001; gnomAD 0.00001; ExAC 0.00003.
gnomAD v4.1: 41 of 1,613,844 alleles (0.0025%); highest among the groups gnomAD compares: Middle Eastern, 0.016%; no homozygotes.

Submission:

Labcorp Genetics (formerly Invitae), Labcorp
Classification: Uncertain significance for Muscular dystrophy-dystroglycanopathy (congenital with brain and eye anomalies), type a, 8. Last evaluated: 2025-10-02. Review status: criteria provided, single submitter. Criteria: Invitae Variant Classification Sherloc (09022015). Collection method: clinical testing. Allele origin: germline.
Comment: This sequence change replaces arginine, which is basic and polar, with glutamine, which is neutral and polar, at codon 486 of the POMGNT2 protein (p.Arg486Gln). This variant is present in population databases (rs770439944, gnomAD 0.004%). This variant has not been reported in the literature in individuals affected with POMGNT2-related conditions. ClinVar contains an entry for this variant (Variation ID: 647775). Invitae Evidence Modeling of protein sequence and biophysical properties (such as structural, functional, and spatial information, amino acid conservation, physicochemical variation, residue mobility, and thermodynamic stability) indicates that this missense variant is not expected to disrupt POMGNT2 protein function with a negative predictive value of 80%. In summary, the available evidence is currently insufficient to determine the role of this variant in disease. Therefore, it has been classified as a Variant of Uncertain Significance.